The following is an entry in ClinVar:

ClinVar aggregate classification (germline): Uncertain significance (1 of 4 stars; one submission).

Conditions:
H syndrome. Also called: Histiocytosis with joint contractures and sensorineural deafness; HISTIOCYTOSIS AND LYMPHADENOPATHY WITH OR WITHOUT CUTANEOUS, CARDIAC, AND/OR ENDOCRINE FEATURES, JOINT CONTRACTURES, AND/OR DEAFNESS; HYPERPIGMENTATION, CUTANEOUS, WITH HYPERTRICHOSIS, HEPATOSPLENOMEGALY, HEART ANOMALIES, AND HYPOGONADISM WITH OR WITHOUT HEARING LOSS; PIGMENTED HYPERTRICHOSIS WITH INSULIN-DEPENDENT DIABETES MELLITUS; ROSAI-DORFMAN DISEASE, FAMILIAL; SINUS HISTIOCYTOSIS AND MASSIVE LYMPHADENOPATHY. Identifiers: Orphanet 168569, MedGen C1864445, MONDO:0011273, OMIM 602782.

Submission:

Labcorp Genetics (formerly Invitae), Labcorp
Classification: Uncertain significance for H syndrome. Last evaluated: 2020-11-20. Review status: criteria provided, single submitter. Criteria: Invitae Variant Classification Sherloc (09022015). Collection method: clinical testing. Allele origin: germline.
Comment: In summary, the available evidence is currently insufficient to determine the role of this variant in disease. Therefore, it has been classified as a Variant of Uncertain Significance. Algorithms developed to predict the effect of missense changes on protein structure and function (SIFT, PolyPhen-2, Align-GVGD) all suggest that this variant is likely to be tolerated, but these predictions have not been confirmed by published functional studies and their clinical significance is uncertain. This variant has not been reported in the literature in individuals with SLC29A3-related conditions. This variant is not present in population databases (ExAC no frequency). This sequence change replaces aspartic acid with glutamic acid at codon 37 of the SLC29A3 protein (p.Asp37Glu). The aspartic acid residue is weakly conserved and there is a small physicochemical difference between aspartic acid and glutamic acid.

NM_018344.6(SLC29A3):c.111C>A (p.Asp37Glu)

Gene: SLC29A3 (solute carrier family 29 member 3; plus strand). Cytogenetic location: 10q22.1.
Variant type: single nucleotide variant.
Coding change: c.111C>A on transcript NM_018344.6 (MANE Select); coding-DNA position 111, C replaced by A.
Protein change: p.Asp37Glu; replaces aspartic acid 37 with glutamic acid.
Molecular consequence: missense variant. On other transcripts: 5 prime UTR variant (1), non-coding transcript variant (2).
Genome position (GRCh38, 1-based): chr10:71,322,865, C>A. VCF-style: chr10-71322865-C-A. GRCh37 (hg19) VCF-style: chr10-73082622-C-A.
Other names: c.111C>A, p.Asp37Glu (NM_001174098.2); c.-124C>A (NM_001363518.2); short protein forms D37E.
Identifiers: ClinVar variation 1471572 (VCV001471572.8), dbSNP rs773183035, ClinGen allele CA377129100.